The following is an entry in ClinVar:

NM_000268.4(NF2):c.1375C>A (p.Gln459Lys)

Gene: NF2 (NF2, moesin-ezrin-radixin like (MERLIN) tumor suppressor; plus strand). Cytogenetic location: 22q12.2.
Variant type: single nucleotide variant.
Coding change: c.1375C>A on transcript NM_000268.4 (MANE Select); coding-DNA position 1375, C replaced by A.
Protein change: p.Gln459Lys; replaces glutamine 459 with lysine.
Molecular consequence: missense variant. On other transcripts: non-coding transcript variant (1), intron variant (1).
Genome position (GRCh38, 1-based): chr22:29,674,870, C>A. VCF-style: chr22-29674870-C-A. GRCh37 (hg19) VCF-style: chr22-30070859-C-A.
Other names: c.1261C>A, p.Gln421Lys (NM_001407053.1, NM_001407056.1); c.1252C>A, p.Gln418Lys (NM_001407054.1, NM_001407058.1, NM_181829.3); c.1249C>A, p.Gln417Lys (NM_001407055.1, NM_181828.3); c.1240C>A, p.Gln414Lys (NM_001407057.1, NM_001407059.1); c.1375C>A, p.Gln459Lys (NM_001407060.1, NM_001407066.1, NM_016418.5 and 2 more transcripts); c.1117C>A, p.Gln373Lys (NM_001407062.1); c.1126C>A, p.Gln376Lys (NM_001407063.1, NM_001407064.1, NM_181830.3 and 1 more transcripts); c.841C>A, p.Gln281Lys (NM_001407065.1); and 2 more; short protein forms Q373K, Q414K, Q418K, Q281K, Q421K, Q376K, Q382K, Q417K.
Identifiers: ClinVar variation 3879182 (VCV003879182.1).
Genomic context (GRCh38, chr22:29,674,870, plus strand): 5'-GCTGACATCTCATCCTTTCCTTGCAGGGCCAAAGAGGCAGATCAGCTGAAGCAGGACCTG[C>A]AGGAAGCACGCGAGGCGGAGCGAAGAGCCAAGCAGAAGCTCCTGGAGATTGCCACCAAGC-3'
Protein context (NP_000259.1, residues 449-469): KEADQLKQDL[Gln459Lys]EAREAERRAK

ClinVar aggregate classification (germline): Uncertain significance (1 of 4 stars; one submission).

Conditions:
Hereditary cancer-predisposing syndrome. Also called: Tumor predisposition; Neoplastic Syndromes, Hereditary; Hereditary Cancer Syndrome; Hereditary neoplastic syndrome. Identifiers: Orphanet 140162, MedGen C0027672, MeSH D009386, MONDO:0015356.

Submission:

Ambry Genetics
Classification: Uncertain significance for Hereditary cancer-predisposing syndrome. Last evaluated: 2025-02-16. Review status: criteria provided, single submitter. Criteria: Ambry Variant Classification Scheme 2023. Collection method: clinical testing. Allele origin: germline.
Comment: The p.Q459K variant (also known as c.1375C>A), located in coding exon 13 of the NF2 gene, results from a C to A substitution at nucleotide position 1375. The glutamine at codon 459 is replaced by lysine, an amino acid with similar properties. This amino acid position is conserved. In addition, the in silico prediction for this alteration is inconclusive. Based on the available evidence, the clinical significance of this variant remains unclear.